The following is an entry in ClinVar:

NM_001376.5(DYNC1H1):c.4787G>C (p.Gly1596Ala)

Gene: DYNC1H1 (dynein cytoplasmic 1 heavy chain 1; plus strand). Cytogenetic location: 14q32.31.
Variant type: single nucleotide variant.
Coding change: c.4787G>C on transcript NM_001376.5 (MANE Select); coding-DNA position 4787, G replaced by C.
Protein change: p.Gly1596Ala; replaces glycine 1596 with alanine.
Molecular consequence: missense variant.
Genome position (GRCh38, 1-based): chr14:102,002,869, G>C. VCF-style: chr14-102002869-G-C. GRCh37 (hg19) VCF-style: chr14-102469206-G-C.
Other names: short protein forms G1596A.
Identifiers: ClinVar variation 3613171 (VCV003613171.2).

ClinVar aggregate classification (germline): Uncertain significance (1 of 4 stars; one submission).

Conditions:
Charcot-Marie-Tooth disease axonal type 2O. Also called: CHARCOT-MARIE-TOOTH NEUROPATHY, AXONAL, TYPE 2O; CHARCOT-MARIE-TOOTH DISEASE, AXONAL, AUTOSOMAL DOMINANT, TYPE 2O; Charcot-Marie-Tooth Neuropathy Type 2O; Charcot-Marie-Tooth disease, axonal, type 20. Identifiers: Orphanet 284232, MedGen C3280220, MONDO:0013644, OMIM 614228.

Submission:

Labcorp Genetics (formerly Invitae), Labcorp
Classification: Uncertain significance for Charcot-Marie-Tooth disease axonal type 2O. Last evaluated: 2024-02-06. Review status: criteria provided, single submitter. Criteria: Invitae Variant Classification Sherloc (09022015). Collection method: clinical testing. Allele origin: germline.
Comment: This sequence change replaces glycine, which is neutral and non-polar, with alanine, which is neutral and non-polar, at codon 1596 of the DYNC1H1 protein (p.Gly1596Ala). This variant is not present in population databases (gnomAD no frequency). This variant has not been reported in the literature in individuals affected with DYNC1H1-related conditions. Advanced modeling of protein sequence and biophysical properties (such as structural, functional, and spatial information, amino acid conservation, physicochemical variation, residue mobility, and thermodynamic stability) has been performed at Invitae for this missense variant, however the output from this modeling did not meet the statistical confidence thresholds required to predict the impact of this variant on DYNC1H1 protein function. In summary, the available evidence is currently insufficient to determine the role of this variant in disease. Therefore, it has been classified as a Variant of Uncertain Significance.